The following is an entry in ClinVar:

NM_004813.4(PEX16):c.254G>A (p.Trp85Ter)

Gene: PEX16 (peroxisomal biogenesis factor 16; minus strand). Cytogenetic location: 11p11.2.
Variant type: single nucleotide variant.
Coding change: c.254G>A on transcript NM_004813.4 (MANE Select); coding-DNA position 254, G replaced by A.
Protein change: p.Trp85Ter; replaces tryptophan 85 with a stop codon.
Molecular consequence: nonsense.
Genome position (GRCh38, 1-based): chr11:45,915,808, C>T on the plus strand (G>A on the coding strand, the complement: PEX16 is on the minus strand). VCF-style: chr11-45915808-C-T. GRCh37 (hg19) VCF-style: chr11-45937359-C-T.
Other names: c.254G>A, p.Trp85Ter (NM_057174.3); short protein forms W85*.
Identifiers: ClinVar variation 4717746 (VCV004717746.1).
Genomic context (GRCh38, chr11:45,915,808, plus strand): 5'-CCCCACACCTTGGCAGCTCCCATCTCCATGAACACCTCCACGCACTCCAGCACGCTCAGC[C>T]ATGTCAGCAGCTTCTGCTGGGACAGCGACTGCAAGAACCCCAGGCCAAGAAGTCAGGGGG-3'

ClinVar aggregate classification (germline): Pathogenic (1 of 4 stars; one submission).

Conditions:
Peroxisome biogenesis disorder. Identifiers: Orphanet 79189, MedGen C1832200, MONDO:0019234. Disease mechanism: loss of function.

Submission:

Labcorp Genetics (formerly Invitae), Labcorp
Classification: Pathogenic for Peroxisome biogenesis disorder. Last evaluated: 2025-04-17. Review status: criteria provided, single submitter. Criteria: Invitae Variant Classification Sherloc (09022015). Collection method: clinical testing. Allele origin: germline.
Comment: This sequence change creates a premature translational stop signal (p.Trp85*) in the PEX16 gene. It is expected to result in an absent or disrupted protein product. Loss-of-function variants in PEX16 are known to be pathogenic (PMID: 9837814, 11890679, 20647552, 20681997). This variant is not present in population databases (gnomAD no frequency). This variant has not been reported in the literature in individuals affected with PEX16-related conditions. For these reasons, this variant has been classified as Pathogenic.

Literature cited by the submitters: PubMed 9837814; PubMed 11890679; PubMed 20647552; PubMed 20681997.